The following is an entry in ClinVar:

NM_001102564.3(IFT43):c.342del (p.Phe114fs)

Gene: IFT43 (intraflagellar transport 43; plus strand). Cytogenetic location: 14q24.3.
Variant type: Deletion.
Coding change: c.342del on transcript NM_001102564.3 (MANE Select); coding-DNA position 342, one base deleted (T; older notation c.342delT).
Protein change: p.Phe114fs; shifts the reading frame from phenylalanine 114.
Molecular consequence: frameshift variant. On other transcripts: non-coding transcript variant (2).
Genome position (GRCh38, 1-based): chr14:76,082,341, T deleted; the last of 3 consecutive T bases (chr14:76,082,339-76,082,341); deleting any one gives the same sequence. VCF-style (leftmost placement, unchanged base first): chr14-76082338-CT-C. GRCh37 (hg19) VCF-style: chr14-76548681-CT-C.
Other names: c.357del, p.Phe119fs (NM_052873.3); short protein forms F114fs, F119fs.
Identifiers: ClinVar variation 1451154 (VCV001451154.6), dbSNP rs748454643, ClinGen allele CA7280844.

ClinVar aggregate classification (germline): Pathogenic (1 of 4 stars; one submission).

Submission:

Labcorp Genetics (formerly Invitae), Labcorp
Classification: Pathogenic. Last evaluated: 2024-05-31. Review status: criteria provided, single submitter. Criteria: Invitae Variant Classification Sherloc (09022015). Collection method: clinical testing. Allele origin: germline.
Comment: This sequence change creates a premature translational stop signal (p.Phe119Leufs*13) in the IFT43 gene. It is expected to result in an absent or disrupted protein product. Loss-of-function variants in IFT43 are known to be pathogenic (PMID: 21378380, 28400947). This variant is not present in population databases (gnomAD no frequency). This variant has not been reported in the literature in individuals affected with IFT43-related conditions. ClinVar contains an entry for this variant (Variation ID: 1451154). For these reasons, this variant has been classified as Pathogenic.

Literature cited by the submitters: PubMed 21378380; PubMed 28400947.